The following is an entry in ClinVar:

NM_014795.4(ZEB2):c.1286A>G (p.His429Arg)

Gene: ZEB2 (zinc finger E-box binding homeobox 2; minus strand). Cytogenetic location: 2q22.3.
Variant type: single nucleotide variant.
Coding change: c.1286A>G on transcript NM_014795.4 (MANE Select); coding-DNA position 1286, A replaced by G.
Protein change: p.His429Arg; replaces histidine 429 with arginine.
Molecular consequence: missense variant.
Genome position (GRCh38, 1-based): chr2:144,399,901, T>C on the plus strand (A>G on the coding strand, the complement: ZEB2 is on the minus strand). VCF-style: chr2-144399901-T-C. GRCh37 (hg19) VCF-style: chr2-145157468-T-C.
Other names: c.1214A>G, p.His405Arg (NM_001171653.2); short protein forms H405R, H429R.
Identifiers: ClinVar variation 1036414 (VCV001036414.8), dbSNP rs1703287195, ClinGen allele CA348712192.

ClinVar aggregate classification (germline): Uncertain significance (1 of 4 stars; one submission).

Conditions:
Mowat-Wilson syndrome (MOWS). Also called: Classic Mowat-Wilson Syndrome. Identifiers: Orphanet 2152, MedGen C1856113, MONDO:0009341, OMIM 235730.

Submission:

Labcorp Genetics (formerly Invitae), Labcorp
Classification: Uncertain significance for Mowat-Wilson syndrome. Last evaluated: 2024-04-10. Review status: criteria provided, single submitter. Criteria: Invitae Variant Classification Sherloc (09022015). Collection method: clinical testing. Allele origin: germline.
Comment: This sequence change replaces histidine, which is basic and polar, with arginine, which is basic and polar, at codon 429 of the ZEB2 protein (p.His429Arg). This variant is not present in population databases (gnomAD no frequency). This variant has not been reported in the literature in individuals affected with ZEB2-related conditions. ClinVar contains an entry for this variant (Variation ID: 1036414). Advanced modeling of protein sequence and biophysical properties (such as structural, functional, and spatial information, amino acid conservation, physicochemical variation, residue mobility, and thermodynamic stability) performed at Invitae indicates that this missense variant is not expected to disrupt ZEB2 protein function with a negative predictive value of 80%. In summary, the available evidence is currently insufficient to determine the role of this variant in disease. Therefore, it has been classified as a Variant of Uncertain Significance.